The following is an entry in ClinVar:

NM_003011.4(SET):c.185_186del (p.Lys62fs)

Gene: SET (SET nuclear proto-oncogene; plus strand). Cytogenetic location: 9q34.11.
Variant type: Deletion.
Coding change: c.185_186del on transcript NM_003011.4 (MANE Select); coding-DNA positions 185 to 186, 2 bases deleted (AA; older notation c.185_186delAA).
Protein change: p.Lys62fs; shifts the reading frame from lysine 62.
Molecular consequence: frameshift variant.
Genome position (GRCh38, 1-based): chr9:128,691,911-128,691,912, AA deleted; deleting any 2 consecutive bases within chr9:128,691,910-128,691,912 gives the same sequence; the c. name uses the placement nearest the transcript's 3' end. VCF-style (leftmost placement, unchanged base first): chr9-128691909-CAA-C. GRCh37 (hg19) VCF-style: chr9-131454188-CAA-C.
Other names: c.224_225del, p.Lys75fs (NM_001122821.2, NM_001374326.1); c.158_159del, p.Lys53fs (NM_001248000.2); c.152_153del, p.Lys51fs (NM_001248001.2); short protein forms K53fs, K75fs, K51fs, K62fs.
Identifiers: ClinVar variation 817064 (VCV000817064.1), dbSNP rs1589458772, ClinGen allele CA915947195.

ClinVar aggregate classification (germline): Pathogenic (1 of 4 stars; one submission).

Submission:

GeneDx
Classification: Pathogenic. Last evaluated: 2018-10-08. Review status: criteria provided, single submitter. Criteria: GeneDx Variant Classification (06012015). Collection method: clinical testing. Allele origin: germline. Affected: yes.
Comment: The c.224_225delAA variant has not been published as a pathogenic variant, nor has it been reported as a benign variant to our knowledge. This variant is not observed in large population cohorts (Lek et al., 2016). The c.224_225delAA variant causes a frameshift starting with codon Lysine 75, changes this amino acid to a Threonine residue and creates a premature Stop codon at position 39 of the new reading frame, denoted p.K75TfsX39. This variant is predicted to cause loss of normal protein function either through protein truncation or nonsense-mediated mRNA decay. We interpret c.224_225delAAas a pathogenic variant